The following is an entry in ClinVar:

NM_138694.4(PKHD1):c.9623C>T (p.Thr3208Ile)

Gene: PKHD1 (PKHD1 ciliary IPT domain containing fibrocystin/polyductin; minus strand). Cytogenetic location: 6p12.3.
Variant type: single nucleotide variant.
Coding change: c.9623C>T on transcript NM_138694.4 (MANE Select); coding-DNA position 9623, C replaced by T.
Protein change: p.Thr3208Ile; replaces threonine 3208 with isoleucine.
Molecular consequence: missense variant.
Genome position (GRCh38, 1-based): chr6:51,747,993, G>A on the plus strand (C>T on the coding strand, the complement: PKHD1 is on the minus strand). VCF-style: chr6-51747993-G-A. GRCh37 (hg19) VCF-style: chr6-51612791-G-A.
Other names: c.9623C>T, p.Thr3208Ile (NM_170724.3); short protein forms T3208I.
Identifiers: ClinVar variation 996152 (VCV000996152.9), dbSNP rs1263208576, ClinGen allele CA364420672.

ClinVar aggregate classification (germline): Uncertain significance. Review status: criteria provided, multiple submitters, no conflicts (2 of 4 stars). 3 submissions from 3 submitters: Uncertain significance (2). 1 of the submissions does not count toward it. Last evaluated 2022-09-14.

Conditions:
Inborn genetic diseases. Identifiers: MedGen C0950123, MeSH D030342.
Autosomal recessive polycystic kidney disease (ARPKD). Also called: AR polycystic kidney disease. Identifiers: Orphanet 731, Orphanet 8378, MedGen C0085548, MeSH D017044, MONDO:0009889.

Allele frequency attached by ClinVar (database versions not stated): TOPMed below 0.00001; gnomAD 0.00001.
gnomAD v4.1: 1 of 1,613,958 alleles (0.000062%); highest among the groups gnomAD compares: Non-Finnish European, 0.000085%; no homozygotes.

Submissions (3):

Ambry Genetics
Classification: Uncertain significance for Inborn genetic diseases. Last evaluated: 2022-09-14. Review status: criteria provided, single submitter. Criteria: Ambry Variant Classification Scheme 2023. Collection method: clinical testing. Allele origin: germline.

Mayo Clinic Laboratories, Mayo Clinic
Classification: Uncertain significance. Last evaluated: 2020-12-31. Review status: criteria provided, single submitter. Criteria: ACMG Guidelines, 2015. Collection method: clinical testing. Allele origin: germline. Observed: 1 variant allele.

Medical Genetics, Spectrum Health
Classification: Likely pathogenic for autosomal recessive polycystic kidney disease. Review status: no assertion criteria provided. Collection method: clinical testing. Allele origin: paternal. Inheritance: Autosomal recessive inheritance. Affected: yes. Observed: 1 variant allele, 1 compound heterozygote. Not counted in ClinVar's aggregate classification.